The following continues an entry in ClinVar:

NM_000371.4(TTR):c.238A>G (p.Thr80Ala)

Gene: TTR. ClinVar aggregate classification (germline): Pathogenic/Likely pathogenic. Pathogenic (16); Likely pathogenic (2).

Literature cited by the submitters: PubMed 3722385 (cited by 7 submitters); PubMed 12050338 (cited by 5 submitters); PubMed 21992998 (cited by 6 submitters); PubMed 25997029 (cited by 3 submitters); PubMed 26017327 (cited by 5 submitters); PubMed 15820680 (cited by Labcorp Genetics (formerly Invitae), Labcorp and Athena Diagnostics); PubMed 11940682 (cited by Ambry Genetics and Women's Health and Genetics/Laboratory Corporation of America, LabCorp); PubMed 17503405 (cited by 4 submitters); PubMed 19602727 (cited by 4 submitters); PubMed 22620962 (cited by Ambry Genetics); PubMed 23713495 (cited by Ambry Genetics); PubMed 7608709 (cited by 5 submitters); PubMed 15217993 (cited by Athena Diagnostics); PubMed 7655883 (cited by Athena Diagnostics); PubMed 34668655 (cited by Athena Diagnostics); PubMed 3097057 (cited by Athena Diagnostics and Laboratory for Molecular Medicine, Mass General Brigham Personalized Medicine); PubMed 9818054 (cited by Athena Diagnostics and Laboratory for Molecular Medicine, Mass General Brigham Personalized Medicine); PubMed 20660862 (cited by Athena Diagnostics and Women's Health and Genetics/Laboratory Corporation of America, LabCorp); PubMed 14968122 (cited by Athena Diagnostics and Women's Health and Genetics/Laboratory Corporation of America, LabCorp); PubMed 14724437 (cited by Athena Diagnostics and Women's Health and Genetics/Laboratory Corporation of America, LabCorp); PubMed 27033334 (cited by Athena Diagnostics); PubMed 23638696 (cited by Athena Diagnostics); PubMed 31139689 (cited by Athena Diagnostics and Dasa); PubMed 24101130 (cited by Athena Diagnostics); PubMed 26243339 (cited by Athena Diagnostics); PubMed 36531853 (cited by Athena Diagnostics); PubMed 34317109 (cited by Athena Diagnostics); PubMed 34331265 (cited by Athena Diagnostics); PubMed 32674397 (cited by Athena Diagnostics and Laboratory for Molecular Medicine, Mass General Brigham Personalized Medicine); PubMed 34658264 (cited by Athena Diagnostics); PubMed 12000195 (cited by Athena Diagnostics and Laboratory for Molecular Medicine, Mass General Brigham Personalized Medicine); PubMed 20301373 (cited by Victorian Clinical Genetics Services, Murdoch Childrens Research Institute); PubMed 28739313 (cited by Victorian Clinical Genetics Services, Murdoch Childrens Research Institute); PubMed 14640030 (cited by Laboratory for Molecular Medicine, Mass General Brigham Personalized Medicine); PubMed 15185492 (cited by Laboratory for Molecular Medicine, Mass General Brigham Personalized Medicine); PubMed 11385707 (cited by Laboratory for Molecular Medicine, Mass General Brigham Personalized Medicine); PubMed 3030336 (cited by Laboratory for Molecular Medicine, Mass General Brigham Personalized Medicine); PubMed 2122246 (cited by Laboratory for Molecular Medicine, Mass General Brigham Personalized Medicine and OMIM); PubMed 7656439 (cited by Laboratory for Molecular Medicine, Mass General Brigham Personalized Medicine); PubMed 4079954 (cited by Laboratory for Molecular Medicine, Mass General Brigham Personalized Medicine and OMIM); PubMed 26959691 (cited by Laboratory for Molecular Medicine, Mass General Brigham Personalized Medicine); PubMed 1997217 (cited by Women's Health and Genetics/Laboratory Corporation of America, LabCorp); PubMed 17431450 (cited by Women's Health and Genetics/Laboratory Corporation of America, LabCorp); PubMed 15123043 (cited by Women's Health and Genetics/Laboratory Corporation of America, LabCorp); PubMed 17968687 (cited by Women's Health and Genetics/Laboratory Corporation of America, LabCorp); PubMed 19118530 (cited by Women's Health and Genetics/Laboratory Corporation of America, LabCorp); PubMed 2590199 (cited by Women's Health and Genetics/Laboratory Corporation of America, LabCorp); PubMed 1626556 (cited by OMIM); PubMed 2981253 (cited by OMIM); PubMed 2840822 (cited by OMIM); Benson, M. D. Characterization of an amyloid fibril protein in heredofamilial amyloidosis. (Abstract) Clin. Res. 28: 340A, 1980. (cited by OMIM); PubMed 3676699 (cited by OMIM); PubMed 1664269 (cited by OMIM).